The following is an entry in ClinVar:

NM_005751.5(AKAP9):c.44C>T (p.Ala15Val)

Genes: AKAP9 (A-kinase anchoring protein 9; plus strand), LOC129998788 (ATAC-STARR-seq lymphoblastoid active region 26256; plus strand). Cytogenetic location: 7q21.2.
Variant type: single nucleotide variant.
Coding change: c.44C>T on transcript NM_005751.5 (MANE Select); coding-DNA position 44, C replaced by T.
Protein change: p.Ala15Val; replaces alanine 15 with valine.
Molecular consequence: missense variant.
Genome position (GRCh38, 1-based): chr7:91,941,143, C>T. VCF-style: chr7-91941143-C-T. GRCh37 (hg19) VCF-style: chr7-91570457-C-T.
Other names: c.44C>T, p.Ala15Val (NM_147185.3); short protein forms A15V.
Identifiers: ClinVar variation 2885890 (VCV002885890.4), dbSNP rs747409915, ClinGen allele CA4335695.
Genomic context (GRCh38, chr7:91,941,143, plus strand): 5'-CCTTCCTTGCAGAGGCCATGGAGGACGAGGAGAGACAGAAGAAGCTGGAGGCCGGCAAAG[C>T]CAAGGTAGGAGAGCCCGAGGCAACCGGGCCTGCGGTGGGAGGCGGTGGCTAGCACGGGGT-3'
Protein context (NP_005742.4, residues 5-25): ERQKKLEAGK[Ala15Val]KLAQFRQRKA

ClinVar aggregate classification (germline): Uncertain significance. Review status: criteria provided, multiple submitters, no conflicts (2 of 4 stars). 2 submissions from 2 submitters: Uncertain significance (2). Last evaluated 2026-06-05.

Conditions:
Cardiovascular phenotype. Identifiers: MedGen CN230736.
Long QT syndrome (LQTS). Identifiers: MedGen C0023976, MeSH D008133, MONDO:0002442. Disease mechanism: loss of function. Inheritance: Various modes of inheritance.

Allele frequency attached by ClinVar (database versions not stated): TOPMed below 0.00001; ExAC 0.00001; gnomAD 0.00001.
gnomAD v4.1: 8 of 1,613,868 alleles (0.0005%); highest among the groups gnomAD compares: African/African-American, 0.0013%; no homozygotes.

Submissions (2):

Ambry Genetics
Classification: Uncertain significance for Cardiovascular phenotype. Last evaluated: 2026-06-05. Review status: criteria provided, single submitter. Criteria: Ambry Variant Classification Scheme 2023. Collection method: clinical testing. Allele origin: germline.
Comment: The p.A15V variant (also known as c.44C>T), located in coding exon 1 of the AKAP9 gene, results from a C to T substitution at nucleotide position 44. The alanine at codon 15 is replaced by valine, an amino acid with similar properties. This amino acid position is highly conserved in available vertebrate species. In addition, this alteration is predicted to be tolerated by in silico analysis. The evidence for this gene-disease relationship is limited; therefore, the clinical significance of this variant is unclear.

Labcorp Genetics (formerly Invitae), Labcorp
Classification: Uncertain significance for Long QT syndrome. Last evaluated: 2024-04-24. Review status: criteria provided, single submitter. Criteria: Invitae Variant Classification Sherloc (09022015). Collection method: clinical testing. Allele origin: germline.
Comment: This sequence change replaces alanine, which is neutral and non-polar, with valine, which is neutral and non-polar, at codon 15 of the AKAP9 protein (p.Ala15Val). This variant is present in population databases (rs747409915, gnomAD 0.0009%). This variant has not been reported in the literature in individuals affected with AKAP9-related conditions. An algorithm developed to predict the effect of missense changes on protein structure and function (PolyPhen-2) suggests that this variant is likely to be disruptive. In summary, the available evidence is currently insufficient to determine the role of this variant in disease. Therefore, it has been classified as a Variant of Uncertain Significance.